The following is an entry in ClinVar:

ClinVar aggregate classification (germline): Pathogenic (1 of 4 stars; one submission).

Conditions:
Fanconi anemia (FA). Also called: Fanconi's anemia. Identifiers: Orphanet 84, MedGen C0015625, MeSH D005199, MONDO:0019391.

Submission:

Labcorp Genetics (formerly Invitae), Labcorp
Classification: Pathogenic for Fanconi anemia. Last evaluated: 2024-11-03. Review status: criteria provided, single submitter. Criteria: Invitae Variant Classification Sherloc (09022015). Collection method: clinical testing. Allele origin: germline.
Comment: This sequence change creates a premature translational stop signal (p.Ala452Glufs*10) in the FANCI gene. It is expected to result in an absent or disrupted protein product. Loss-of-function variants in FANCI are known to be pathogenic (PMID: 17452773, 17460694). This variant is not present in population databases (gnomAD no frequency). This variant has not been reported in the literature in individuals affected with FANCI-related conditions. For these reasons, this variant has been classified as Pathogenic.

Literature cited by the submitters: PubMed 17452773; PubMed 17460694.

NM_001113378.2(FANCI):c.1353_1354dup (p.Ala452fs)

Gene: FANCI (FA complementation group I; plus strand). Cytogenetic location: 15q26.1.
Variant type: Microsatellite.
Coding change: c.1353_1354dup on transcript NM_001113378.2 (MANE Select); coding-DNA positions 1353 to 1354, 2 bases duplicated (AG; older notation c.1353_1354dupAG).
Protein change: p.Ala452fs; shifts the reading frame from alanine 452.
Molecular consequence: frameshift variant.
Genome position (GRCh38, 1-based): chr15:89,278,746-89,278,747, AG duplicated; duplicating any 2 consecutive bases within chr15:89,278,744-89,278,747 gives the same sequence; the c. name uses the placement nearest the transcript's 3' end. VCF-style (leftmost placement, unchanged base first): chr15-89278743-C-CAG. GRCh37 (hg19) VCF-style: chr15-89821974-C-CAG.
Other names: c.1074_1075dup, p.Ala359fs (NM_001376910.1); c.1353_1354dup, p.Ala452fs (NM_001376911.1, NM_018193.3); short protein forms A359fs, A452fs.
Identifiers: ClinVar variation 3701714 (VCV003701714.2).
Genomic context (GRCh38, chr15:89,278,743, plus strand): 5'-TTAGATCCATGAGATGATCAGACAAGAAATTTTGGAGCAGGTCCTCAACAGGGTTGTTAC[C>CAG]AGAGCATCTTCTCCCATCAGTCATTTCTTAGGTATTCAACTTTGAAAGAATGAATAAAGT-3'